The following is an entry in ClinVar:

NM_006361.6(HOXB13):c.110C>A (p.Pro37Gln)

Gene: HOXB13 (homeobox B13; minus strand). Cytogenetic location: 17q21.32.
Variant type: single nucleotide variant.
Coding change: c.110C>A on transcript NM_006361.6 (MANE Select); coding-DNA position 110, C replaced by A.
Protein change: p.Pro37Gln; replaces proline 37 with glutamine.
Molecular consequence: missense variant.
Genome position (GRCh38, 1-based): chr17:48,728,484, G>T on the plus strand (C>A on the coding strand, the complement: HOXB13 is on the minus strand). VCF-style: chr17-48728484-G-T. GRCh37 (hg19) VCF-style: chr17-46805846-G-T.
Other names: short protein forms P37Q.
Identifiers: ClinVar variation 4035957 (VCV004035957.1).

ClinVar aggregate classification (germline): Uncertain significance (1 of 4 stars; one submission).

Conditions:
Hereditary cancer-predisposing syndrome. Also called: Neoplastic Syndromes, Hereditary; Tumor predisposition; Hereditary neoplastic syndrome; Hereditary Cancer Syndrome. Identifiers: Orphanet 140162, MedGen C0027672, MeSH D009386, MONDO:0015356.

Submission:

Ambry Genetics
Classification: Uncertain significance for Hereditary cancer-predisposing syndrome. Last evaluated: 2025-05-24. Review status: criteria provided, single submitter. Criteria: Ambry Variant Classification Scheme 2023. Collection method: clinical testing. Allele origin: germline.
Comment: The p.P37Q variant (also known as c.110C>A), located in coding exon 1 of the HOXB13 gene, results from a C to A substitution at nucleotide position 110. The proline at codon 37 is replaced by glutamine, an amino acid with similar properties. This amino acid position is conserved. In addition, this alteration is predicted to be tolerated by in silico analysis. Based on the available evidence, the clinical significance of this variant remains unclear.